The following is an entry in ClinVar:

ClinVar aggregate classification (germline): Uncertain significance (0 of 4 stars; one submission).

Conditions:
Prostate cancer. Also called: Malignant tumor of prostate. Identifiers: Orphanet 1331, MedGen C0376358, MONDO:0008315, HP:0012125.

Allele frequency attached by ClinVar (database versions not stated): gnomAD exomes below 0.00001; ExAC 0.00001.
gnomAD v4.1: 1 of 1,614,040 alleles (0.000062%); highest among the groups gnomAD compares: South Asian, 0.0011%; no homozygotes.

Submission:

Science for Life laboratory,  Karolinska Institutet
Classification: Uncertain significance for Malignant tumor of prostate. Review status: no assertion criteria provided. Collection method: not provided. Allele origin: somatic.
Comment: TumorID:SWE-5
ClinVar note: Converted during submission from Unknown to Uncertain significance.

NM_014777.4(URB2):c.1372C>G (p.Gln458Glu)

Gene: URB2 (URB2 ribosome biogenesis homolog; plus strand). Cytogenetic location: 1q42.13.
Variant type: single nucleotide variant.
Coding change: c.1372C>G on transcript NM_014777.4 (MANE Select); coding-DNA position 1372, C replaced by G.
Protein change: p.Gln458Glu; replaces glutamine 458 with glutamic acid.
Molecular consequence: missense variant.
Genome position (GRCh38, 1-based): chr1:229,635,985, C>G. VCF-style: chr1-229635985-C-G. GRCh37 (hg19) VCF-style: chr1-229771732-C-G.
Other names: c.1372C>G, p.Gln458Glu (NM_001314021.2); short protein forms Q458E.
Identifiers: ClinVar variation 161685 (VCV000161685.2), dbSNP rs193921013, ClinGen allele CA174596.
Genomic context (GRCh38, chr1:229,635,985, plus strand): 5'-GCCGAGGTAACAGAGTTTCGAACCAAAAAAGCCCAGGAGGCGCTTATTCGTACTGTCTTC[C>G]AGACTTATGCCAAACTCCGACAAGTGCCACGGTTGTTTGAAGAGGTTTTGGGGGTGATCT-3'
Protein context (NP_055592.2, residues 448-468): AQEALIRTVF[Gln458Glu]TYAKLRQVPR